The following is an entry in ClinVar:

ClinVar aggregate classification (germline): Uncertain significance. Review status: criteria provided, multiple submitters, no conflicts (2 of 4 stars). 4 submissions from 4 submitters: Uncertain significance (4). Last evaluated 2026-04-24.

Conditions:
Polycystic kidney disease, adult type (PKD1). Also called: Polycystic Kidney Disease 1, Autosomal Dominant; Polycystic kidney disease 1; Polycystic kidney disease 1, severe; POLYCYSTIC KIDNEY DISEASE, ADULT, TYPE I; Polycystic Kidney, Autosomal Dominant; POLYCYSTIC KIDNEY DISEASE 1 WITH OR WITHOUT POLYCYSTIC LIVER DISEASE. Identifiers: MedGen C3149841, MONDO:0008263, OMIM 173900.

Allele frequency attached by ClinVar (database versions not stated): ExAC 0.00007; gnomAD exomes 0.00007 and 0.00008; gnomAD 0.00015; TOPMed 0.00019.
gnomAD v4.1: 129 of 1,596,384 alleles (0.0081%); highest among the groups gnomAD compares: Middle Eastern, 0.18%; no homozygotes.

Submissions (4):

Women's Health and Genetics/Laboratory Corporation of America, LabCorp
Classification: Uncertain significance. Last evaluated: 2026-04-24. Review status: criteria provided, single submitter. Criteria: LabCorp Variant Classification Summary - May 2015. Collection method: clinical testing. Allele origin: germline.
Comment: Variant summary: PKD1 c.7835C>T (p.Ser2612Leu) results in a non-conservative amino acid change in the encoded protein sequence. Algorithms developed to predict the effect of missense changes on protein structure and function are either unavailable or do not agree on the potential impact of this missense change. The variant allele was found at a frequency of 8.2e-05 in 232302 control chromosomes. This frequency is not significantly higher than estimated for disease-causing variants in PKD1, allowing no conclusion about variant significance. To our knowledge, no occurrence of c.7835C>T in individuals affected with PKD1-related conditions and no experimental evidence demonstrating its impact on protein function have been reported. ClinVar contains an entry for this variant (Variation ID: 1320673). Based on the evidence outlined above, the variant was classified as uncertain significance.

GeneDx
Classification: Uncertain significance. Last evaluated: 2024-08-02. Review status: criteria provided, single submitter. Criteria: GeneDx Variant Classification Process June 2021. Collection method: clinical testing. Allele origin: germline. Affected: yes.
Comment: In silico analysis supports that this missense variant has a deleterious effect on protein structure/function; Has not been previously published as pathogenic or benign to our knowledge

Department of Pathology and Laboratory Medicine, Sinai Health System
Classification: Uncertain significance for Polycystic kidney disease, adult type. Last evaluated: 2024-07-24. Review status: criteria provided, single submitter. Criteria: ACMG Guidelines, 2015. Collection method: clinical testing. Allele origin: germline.

Fulgent Genetics
Classification: Uncertain significance for Polycystic kidney disease, adult type. Last evaluated: 2022-04-13. Review status: criteria provided, single submitter. Criteria: ACMG Guidelines, 2015. Collection method: clinical testing. Allele origin: unknown.

NM_001009944.3(PKD1):c.7835C>T (p.Ser2612Leu)

Gene: PKD1 (polycystin 1, transient receptor potential channel interacting; minus strand). Cytogenetic location: 16p13.3.
Variant type: single nucleotide variant.
Coding change: c.7835C>T on transcript NM_001009944.3 (MANE Select); coding-DNA position 7835, C replaced by T.
Protein change: p.Ser2612Leu; replaces serine 2612 with leucine.
Molecular consequence: missense variant.
Genome position (GRCh38, 1-based): chr16:2,105,893, G>A on the plus strand (C>T on the coding strand, the complement: PKD1 is on the minus strand). VCF-style: chr16-2105893-G-A. GRCh37 (hg19) VCF-style: chr16-2155894-G-A.
Other names: c.7835C>T, p.Ser2612Leu (NM_000296.4); short protein forms S2612L.
Identifiers: ClinVar variation 1320673 (VCV001320673.6), dbSNP rs200646755, ClinGen allele CA7830890.